The following is an entry in ClinVar:

NM_002156.5(HSPD1):c.1109G>A (p.Arg370His)

Gene: HSPD1 (heat shock protein family D (Hsp60) member 1; minus strand). Cytogenetic location: 2q33.1.
Variant type: single nucleotide variant.
Coding change: c.1109G>A on transcript NM_002156.5 (MANE Select); coding-DNA position 1109, G replaced by A.
Protein change: p.Arg370His; replaces arginine 370 with histidine.
Molecular consequence: missense variant.
Genome position (GRCh38, 1-based): chr2:197,489,108, C>T on the plus strand (G>A on the coding strand, the complement: HSPD1 is on the minus strand). VCF-style: chr2-197489108-C-T. GRCh37 (hg19) VCF-style: chr2-198353832-C-T.
Other names: c.1109G>A, p.Arg370His (NM_199440.2); c.1109G>A (NM_002156.4); short protein forms R370H.
Identifiers: ClinVar variation 3013638 (VCV003013638.4), dbSNP rs564748273, ClinGen allele CA2043423.

ClinVar aggregate classification (germline): Uncertain significance. Review status: criteria provided, multiple submitters, no conflicts (2 of 4 stars). 2 submissions from 2 submitters: Uncertain significance (2). Last evaluated 2025-11-25.

Conditions:
HSPD1-related disorder. Also called: HSPD1-related condition.
Spastic paraplegia. Identifiers: MedGen C0037772, HP:0001258.

Allele frequency attached by ClinVar (database versions not stated): gnomAD exomes 0.00002; ExAC 0.00011; gnomAD 0.00017; TOPMed 0.00017; 1000 Genomes Project 0.00060; 1000 Genomes Project 30x 0.00078.
gnomAD v4.1: 58 of 1,613,996 alleles (0.0036%); highest among the groups gnomAD compares: African/African-American, 0.035%; no homozygotes.

Submissions (2):

Labcorp Genetics (formerly Invitae), Labcorp
Classification: Uncertain significance for Spastic paraplegia. Last evaluated: 2025-11-25. Review status: criteria provided, single submitter. Criteria: Invitae Variant Classification Sherloc (09022015). Collection method: clinical testing. Allele origin: germline.
Comment: This sequence change replaces arginine, which is basic and polar, with histidine, which is basic and polar, at codon 370 of the HSPD1 protein (p.Arg370His). This variant is present in population databases (rs564748273, gnomAD 0.05%). This variant has not been reported in the literature in individuals affected with HSPD1-related conditions. ClinVar contains an entry for this variant (Variation ID: 3013638). Invitae Evidence Modeling of protein sequence and biophysical properties (such as structural, functional, and spatial information, amino acid conservation, physicochemical variation, residue mobility, and thermodynamic stability) indicates that this missense variant is expected to disrupt HSPD1 protein function with a positive predictive value of 80%. In summary, the available evidence is currently insufficient to determine the role of this variant in disease. Therefore, it has been classified as a Variant of Uncertain Significance.

PreventionGenetics, part of Exact Sciences
Classification: Uncertain significance for HSPD1-related condition. Last evaluated: 2024-11-05. Review status: criteria provided, single submitter. Criteria: ACMG Guidelines, 2015. Collection method: clinical testing. Allele origin: germline.
Comment: The HSPD1 c.1109G>A variant is predicted to result in the amino acid substitution p.Arg370His. To our knowledge, this variant has not been reported in the literature in individuals with HSPD1-related disorders. This variant is reported in 0.044% of alleles in individuals of African descent in gnomAD. At this time, the clinical significance of this variant is uncertain due to the absence of conclusive functional and genetic evidence.